The following is an entry in ClinVar:

NM_024831.8(TGS1):c.448G>A (p.Asp150Asn)

Gene: TGS1 (trimethylguanosine synthase 1; plus strand). Cytogenetic location: 8q12.1.
Variant type: single nucleotide variant.
Coding change: c.448G>A on transcript NM_024831.8 (MANE Select); coding-DNA position 448, G replaced by A.
Protein change: p.Asp150Asn; replaces aspartic acid 150 with asparagine.
Molecular consequence: missense variant.
Genome position (GRCh38, 1-based): chr8:55,786,346, G>A. VCF-style: chr8-55786346-G-A. GRCh37 (hg19) VCF-style: chr8-56698905-G-A.
Other names: c.169G>A, p.Asp57Asn (NM_001317902.2, NM_001363184.2); short protein forms D57N, D150N.
Identifiers: ClinVar variation 782749 (VCV000782749.28), dbSNP rs61740025, ClinGen allele CA4753248.

ClinVar aggregate classification (germline): Benign/Likely benign. Review status: criteria provided, multiple submitters, no conflicts (2 of 4 stars). 3 submissions from 3 submitters: Benign (2); Likely benign (1). Last evaluated 2022-11-01.

Allele frequency attached by ClinVar (database versions not stated): 1000 Genomes Project 0.00100; 1000 Genomes Project 30x 0.00141; gnomAD 0.00490 and 0.00504; TOPMed 0.00494; gnomAD exomes 0.00525 and 0.00730; ExAC 0.00586; ESP Exome Variant Server 0.00654.
gnomAD v4.1: 11,380 of 1,612,404 alleles (0.71%); highest among the groups gnomAD compares: Non-Finnish European, 0.86%; 62 homozygotes.

Submissions (3):

CeGaT Center for Human Genetics Tuebingen
Classification: Likely benign. Last evaluated: 2022-11-01. Review status: criteria provided, single submitter. Criteria: CeGaT Center For Human Genetics Tuebingen Variant Classification Criteria Version 2. Collection method: clinical testing. Allele origin: germline. Affected: yes. Observed: 1 variant allele.
Comment: TGS1: BP4, BS2

Labcorp Genetics (formerly Invitae), Labcorp
Classification: Benign. Last evaluated: 2018-07-02. Review status: criteria provided, single submitter. Criteria: Invitae Variant Classification Sherloc (09022015). Collection method: clinical testing. Allele origin: germline.

Breakthrough Genomics
Classification: Benign. Review status: criteria provided, single submitter. Criteria: ACMG Guidelines, 2015. Collection method: not provided. Allele origin: germline. Inheritance: Unknown mechanism. Affected: yes.